The following is an entry in ClinVar:

NM_007175.8(ERLIN2):c.413T>C (p.Ile138Thr)

Gene: ERLIN2 (ER lipid raft associated 2; plus strand). Cytogenetic location: 8p11.23.
Variant type: single nucleotide variant.
Coding change: c.413T>C on transcript NM_007175.8 (MANE Select); coding-DNA position 413, T replaced by C.
Protein change: p.Ile138Thr; replaces isoleucine 138 with threonine.
Molecular consequence: missense variant.
Genome position (GRCh38, 1-based): chr8:37,744,685, T>C. VCF-style: chr8-37744685-T-C. GRCh37 (hg19) VCF-style: chr8-37602203-T-C.
Other names: c.413T>C, p.Ile138Thr (NM_001003790.4, NM_001003791.3, NM_001362878.2 and 1 more transcripts); short protein forms I138T.
Identifiers: ClinVar variation 1902074 (VCV001902074.5), dbSNP rs996380168, ClinGen allele CA175015384.

ClinVar aggregate classification (germline): Uncertain significance (1 of 4 stars; one submission).

Conditions:
Spastic paraplegia. Identifiers: MedGen C0037772, HP:0001258.

Allele frequency attached by ClinVar (database versions not stated): gnomAD exomes below 0.00001.
gnomAD v4.1: 1 of 1,614,170 alleles (0.000062%); highest among the groups gnomAD compares: Non-Finnish European, 0.000085%; no homozygotes.

Submission:

Labcorp Genetics (formerly Invitae), Labcorp
Classification: Uncertain significance for Spastic paraplegia. Last evaluated: 2022-08-23. Review status: criteria provided, single submitter. Criteria: Invitae Variant Classification Sherloc (09022015). Collection method: clinical testing. Allele origin: germline.
Comment: In summary, the available evidence is currently insufficient to determine the role of this variant in disease. Therefore, it has been classified as a Variant of Uncertain Significance. Algorithms developed to predict the effect of missense changes on protein structure and function (SIFT, PolyPhen-2, Align-GVGD) all suggest that this variant is likely to be disruptive. This variant has not been reported in the literature in individuals affected with ERLIN2-related conditions. This variant is not present in population databases (gnomAD no frequency). This sequence change replaces isoleucine, which is neutral and non-polar, with threonine, which is neutral and polar, at codon 138 of the ERLIN2 protein (p.Ile138Thr).